The following is an entry in ClinVar:

NM_000548.5(TSC2):c.1696G>C (p.Gly566Arg)

Gene: TSC2 (TSC complex subunit 2; plus strand). Cytogenetic location: 16p13.3.
Variant type: single nucleotide variant.
Coding change: c.1696G>C on transcript NM_000548.5 (MANE Select); coding-DNA position 1696, G replaced by C.
Protein change: p.Gly566Arg; replaces glycine 566 with arginine.
Molecular consequence: missense variant. On other transcripts: non-coding transcript variant (5).
Genome position (GRCh38, 1-based): chr16:2,065,615, G>C. VCF-style: chr16-2065615-G-C. GRCh37 (hg19) VCF-style: chr16-2115616-G-C.
Other names: c.1696G>C, p.Gly566Arg (NM_001077183.3, NM_001114382.3, NM_001363528.2 and 6 more transcripts); c.1585G>C, p.Gly529Arg (NM_001318827.2, NM_001406678.1, NM_001406670.1); c.1549G>C, p.Gly517Arg (NM_001318829.2, NM_001406675.1, NM_001406676.1 and 1 more transcripts); c.1096G>C, p.Gly366Arg (NM_001318831.2, NM_001406680.1, NM_001406682.1 and 6 more transcripts); c.1729G>C, p.Gly577Arg (NM_001318832.2); c.1639G>C, p.Gly547Arg (NM_001406677.1); c.1234G>C, p.Gly412Arg (NM_001406681.1); c.352G>C, p.Gly118Arg (NM_001406694.1, NM_001406695.1, NM_001406696.1 and 6 more transcripts); and 3 more; short protein forms G118R, G32R, G366R, G412R, G517R, G529R, G547R, G562R.
Identifiers: ClinVar variation 4086732 (VCV004086732.1).

ClinVar aggregate classification (germline): Uncertain significance (1 of 4 stars; one submission).

Submission:

GeneDx
Classification: Uncertain significance. Last evaluated: 2025-03-19. Review status: criteria provided, single submitter. Criteria: GeneDx Variant Classification Process June 2021. Collection method: clinical testing. Allele origin: germline. Affected: yes.
Comment: Not observed at significant frequency in large population cohorts (gnomAD); In silico analysis supports that this missense variant has a deleterious effect on protein structure/function; Has not been previously published as pathogenic or benign to our knowledge